The following is an entry in ClinVar:

NM_006514.4(SCN10A):c.3238G>A (p.Asp1080Asn)

Genes: SCN10A (sodium voltage-gated channel alpha subunit 10; minus strand), LOC110121288 (VISTA enhancer hs2268; plus strand). Cytogenetic location: 3p22.2.
Variant type: single nucleotide variant.
Coding change: c.3238G>A on transcript NM_006514.4 (MANE Select); coding-DNA position 3238, G replaced by A.
Protein change: p.Asp1080Asn; replaces aspartic acid 1080 with asparagine.
Molecular consequence: missense variant.
Genome position (GRCh38, 1-based): chr3:38,723,544, C>T on the plus strand (G>A on the coding strand, the complement: SCN10A is on the minus strand). VCF-style: chr3-38723544-C-T. GRCh37 (hg19) VCF-style: chr3-38765035-C-T.
Other names: p.Asp1080Asn; c.3235G>A, p.Asp1079Asn (NM_001293306.2); c.2944G>A, p.Asp982Asn (NM_001293307.2); short protein forms D1080N, D1079N, D982N.
Identifiers: ClinVar variation 463247 (VCV000463247.18), dbSNP rs376528831, ClinGen allele CA2320294.

ClinVar aggregate classification (germline): Conflicting classifications of pathogenicity. Review status: criteria provided, conflicting classifications (1 of 4 stars). 6 submissions from 6 submitters: Uncertain significance (2); Benign (1); Likely benign (3). Last evaluated 2025-11-26.

Conditions:
Cardiovascular phenotype. Identifiers: MedGen CN230736.
Episodic pain syndrome, familial, 2 (FEPS2). Identifiers: Orphanet 306577, MedGen C3809893, MONDO:0014246, OMIM 615551.
Brugada syndrome. Also called: Sudden Unexplained Nocturnal Death Syndrome (SUNDS); Sudden unexpected nocturnal death syndrome; Sudden Unexplained Death Syndrome; Sudden unexplained nocturnal death syndrome. Identifiers: Orphanet 130, MedGen C1142166, MONDO:0015263.

Allele frequency attached by ClinVar (database versions not stated): ESP Exome Variant Server 0.00008; gnomAD 0.00008 and 0.00009; 1000 Genomes Project 0.00020; TOPMed 0.00020; gnomAD exomes 0.00029; ExAC 0.00030; 1000 Genomes Project 30x 0.00031.
gnomAD v4.1: 102 of 1,594,682 alleles (0.0064%); highest among the groups gnomAD compares: Admixed American, 0.14%; no homozygotes.

Submissions (6):

Labcorp Genetics (formerly Invitae), Labcorp
Classification: Benign for Brugada syndrome. Last evaluated: 2025-11-26. Review status: criteria provided, single submitter. Criteria: Invitae Variant Classification Sherloc (09022015). Collection method: clinical testing. Allele origin: germline.

Mayo Clinic Laboratories, Mayo Clinic
Classification: Uncertain significance. Last evaluated: 2025-08-07. Review status: criteria provided, single submitter. Criteria: ACMG Guidelines, 2015. Collection method: clinical testing. Allele origin: germline. Observed: 1 variant allele.
Comment: BS2

Women's Health and Genetics/Laboratory Corporation of America, LabCorp
Classification: Likely benign. Last evaluated: 2025-03-19. Review status: criteria provided, single submitter. Criteria: LabCorp Variant Classification Summary - May 2015. Collection method: clinical testing. Allele origin: germline.
Comment: Variant summary: SCN10A c.3238G>A (p.Asp1080Asn) results in a conservative amino acid change in the encoded protein sequence. Four of five in-silico tools predict a benign effect of the variant on protein function. The variant allele was found at a frequency of 0.00029 in 209960 control chromosomes, predominantly at a frequency of 0.002 within the Latino subpopulation in the gnomAD database. The observed variant frequency within Latino control individuals in the gnomAD database exceeds the estimated maximal expected allele frequency for a pathogenic variant in SCN10A causing familial episodic pain syndrome, 2 phenotype. c.3238G>A has been reported in the literature in an individual affected with Brugada syndrome, without strong evidence for causality (Hu_2014). This report does not provide unequivocal conclusions about association of the variant with familial episodic pain syndrome or other SCN10A-related disorders. To our knowledge, no experimental evidence demonstrating an impact on protein function has been reported. The following publication has been ascertained in the context of this evaluation (PMID: 24998131). ClinVar contains an entry for this variant (Variation ID: 463247). Based on the evidence outlined above, the variant was classified as likely benign.

GeneDx
Classification: Likely benign. Last evaluated: 2020-11-27. Review status: criteria provided, single submitter. Criteria: GeneDx Variant Classification Process June 2021. Collection method: clinical testing. Allele origin: germline. Affected: yes.
Comment: This variant is associated with the following publications: (PMID: 24998131, 30821013, 28407228)

Ambry Genetics
Classification: Likely benign for Cardiovascular phenotype. Last evaluated: 2019-06-12. Review status: criteria provided, single submitter. Criteria: Ambry Variant Classification Scheme 2023. Collection method: clinical testing. Allele origin: germline.

Baylor Genetics
Classification: Uncertain significance for Episodic pain syndrome, familial, 2. Last evaluated: 2018-02-05. Review status: criteria provided, single submitter. Criteria: ACMG Guidelines, 2015. Collection method: clinical testing. Allele origin: maternal. Affected: yes.
Comment: This variant was determined to be of uncertain significance according to ACMG Guidelines, 2015 [PMID:25741868].

Literature cited by the submitters: PubMed 24998131 (cited by Mayo Clinic Laboratories, Mayo Clinic and Women's Health and Genetics/Laboratory Corporation of America, LabCorp); PubMed 28407228 (cited by Mayo Clinic Laboratories, Mayo Clinic); PubMed 30821013 (cited by Mayo Clinic Laboratories, Mayo Clinic).